The following is an entry in ClinVar:

NM_001031710.3(KLHL7):c.350T>G (p.Leu117Trp)

Gene: KLHL7 (kelch like family member 7; plus strand). Cytogenetic location: 7p15.3.
Variant type: single nucleotide variant.
Coding change: c.350T>G on transcript NM_001031710.3 (MANE Select); coding-DNA position 350, T replaced by G.
Protein change: p.Leu117Trp; replaces leucine 117 with tryptophan.
Molecular consequence: missense variant. On other transcripts: non-coding transcript variant (2).
Genome position (GRCh38, 1-based): chr7:23,125,080, T>G. VCF-style: chr7-23125080-T-G. GRCh37 (hg19) VCF-style: chr7-23164699-T-G.
Other names: c.206T>G, p.Leu69Trp (NM_018846.5); c.350T>G, p.Leu117Trp (NM_001172428.2); short protein forms L117W, L69W.
Identifiers: ClinVar variation 4881347 (VCV004881347.2).

ClinVar aggregate classification (germline): Uncertain significance (1 of 4 stars; one submission).

Conditions:
PERCHING syndrome (PERCHING). Also called: Cold-induced sweating syndrome 3. Identifiers: Orphanet 157820, Orphanet 603684, MedGen C4310742, MONDO:0014890, OMIM 617055.

Submission:

Dasa
Classification: Uncertain significance for PERCHING syndrome. Last evaluated: 2025-10-20. Review status: criteria provided, single submitter. Criteria: DASA Assertion Criteria. Collection method: clinical testing. Allele origin: germline.
Comment: NM_001031710.3(KLHL7):c.350T>G (p.Leu117Trp) is a missense variant that results in the substitution of leucine with tryptophan. This variant is absent from population databases. Computational prediction algorithms are consistent with a deleterious effect. The currently available literature and clinical evidence are not sufficient to establish a definitive association between this variant and the reported condition. Therefore, this variant is classified as a variant of uncertain significance.